The following is an entry in ClinVar:

ClinVar aggregate classification (germline): Conflicting classifications of pathogenicity. Review status: criteria provided, conflicting classifications (1 of 4 stars). 2 submissions from 2 submitters: Likely pathogenic (1); Uncertain significance (1). Last evaluated 2023-11-03.

Conditions:
Catecholaminergic polymorphic ventricular tachycardia 1. Also called: VENTRICULAR TACHYCARDIA, CATECHOLAMINERGIC POLYMORPHIC, 1, WITH OR WITHOUT ATRIAL DYSFUNCTION AND/OR DILATED CARDIOMYOPATHY; VENTRICULAR TACHYCARDIA, STRESS-INDUCED POLYMORPHIC 1; RYR2-Related Catecholaminergic Polymorphic Ventricular Tachycardia. Identifiers: Orphanet 3286, MedGen C1631597, MONDO:0011484, OMIM 604772.

Allele frequency attached by ClinVar (database versions not stated): gnomAD exomes below 0.00001; TOPMed below 0.00001.
gnomAD v4.1: 5 of 1,613,848 alleles (0.00031%); highest among the groups gnomAD compares: Non-Finnish European, 0.00042%; no homozygotes.

Submissions (2):

Labcorp Genetics (formerly Invitae), Labcorp
Classification: Likely pathogenic for Catecholaminergic polymorphic ventricular tachycardia 1. Last evaluated: 2023-11-03. Review status: criteria provided, single submitter. Criteria: Invitae Variant Classification Sherloc (09022015). Collection method: clinical testing. Allele origin: germline.
Comment: This sequence change replaces glycine, which is neutral and non-polar, with arginine, which is basic and polar, at codon 4828 of the RYR2 protein (p.Gly4828Arg). This variant is present in population databases (no rsID available, gnomAD 0.0009%). This missense change has been observed in individual(s) with clinical features of autosomal dominant catecholaminergic polymorphic ventricular tachycardia (Invitae). ClinVar contains an entry for this variant (Variation ID: 931265). Advanced modeling of protein sequence and biophysical properties (such as structural, functional, and spatial information, amino acid conservation, physicochemical variation, residue mobility, and thermodynamic stability) performed at Invitae indicates that this missense variant is expected to disrupt RYR2 protein function with a positive predictive value of 95%. In summary, the currently available evidence indicates that the variant is pathogenic, but additional data are needed to prove that conclusively. Therefore, this variant has been classified as Likely Pathogenic.

Centre for Mendelian Genomics, University Medical Centre Ljubljana
Classification: Uncertain significance for Catecholaminergic polymorphic ventricular tachycardia 1. Last evaluated: 2020-02-26. Review status: criteria provided, single submitter. Criteria: ACMG Guidelines, 2015. Collection method: clinical testing. Allele origin: unknown. Affected: yes.
Comment: This variant was classified as: Uncertain significance. The available evidence favors the pathogenic nature of this variant, however the currently available data is insufficient to conclusively support its pathogenic nature. Thus this variant is classified as Uncertain significance - favor pathogenic. The following ACMG criteria were applied in classifying this variant: PM2,PP3.

NM_001035.3(RYR2):c.14482G>A (p.Gly4828Arg)

Gene: RYR2 (ryanodine receptor 2; plus strand). Cytogenetic location: 1q43.
Variant type: single nucleotide variant.
Coding change: c.14482G>A on transcript NM_001035.3 (MANE Select); coding-DNA position 14482, G replaced by A.
Protein change: p.Gly4828Arg; replaces glycine 4828 with arginine.
Molecular consequence: missense variant.
Genome position (GRCh38, 1-based): chr1:237,819,084, G>A. VCF-style: chr1-237819084-G-A. GRCh37 (hg19) VCF-style: chr1-237982384-G-A.
Other names: short protein forms G4828R.
Identifiers: ClinVar variation 931265 (VCV000931265.50), dbSNP rs1402571360, ClinGen allele CA345426127.
Genomic context (GRCh38, chr1:237,819,084, plus strand): 5'-TCTTTTTTCCAGTGCTATATGTTCCACATGTATGTTGGAGTTCGTGCTGGAGGAGGGATC[G>A]GGGATGAAATCGAAGACCCAGCAGGAGATGAATATGAGATCTATCGAATCATCTTTGACA-3'
Protein context (NP_001026.2, residues 4818-4838): YVGVRAGGGI[Gly4828Arg]DEIEDPAGDE